The following is an entry in ClinVar:

ClinVar aggregate classification (germline): Benign/Likely benign. Review status: criteria provided, multiple submitters, no conflicts (2 of 4 stars). 5 submissions from 5 submitters: Benign (1); Likely benign (1). 3 of the submissions do not count toward it. Last evaluated 2021-08-11.

Allele frequency attached by ClinVar (database versions not stated): 1000 Genomes Project 30x 0.12274; 1000 Genomes Project 0.12460; TOPMed 0.12912; ESP Exome Variant Server 0.14117; gnomAD 0.14124 and 0.14235; gnomAD exomes 0.14640; ExAC 0.14790.
gnomAD v4.1: 241,835 of 1,613,950 alleles (15%); highest among the groups gnomAD compares: South Asian, 21%; 19,132 homozygotes.

Submissions (5):

GeneDx
Classification: Benign. Last evaluated: 2021-08-11. Review status: criteria provided, single submitter. Criteria: GeneDx Variant Classification Process June 2021. Collection method: clinical testing. Allele origin: germline. Affected: yes.

Breakthrough Genomics
Classification: Likely benign. Review status: criteria provided, single submitter. Criteria: ACMG Guidelines, 2015. Collection method: not provided. Allele origin: germline. Inheritance: Autosomal recessive inheritance. Affected: yes.

Diagnostic Laboratory, Department of Genetics, University Medical Center Groningen
Classification: Benign. Review status: no assertion criteria provided. Collection method: clinical testing. Allele origin: germline. Affected: yes. Study: VKGL Data-share Consensus. Not counted in ClinVar's aggregate classification.

Genetic Services Laboratory, University of Chicago
Classification: Likely benign for AllHighlyPenetrant. Review status: no assertion criteria provided. Collection method: clinical testing. Allele origin: germline. Inheritance: Autosomal recessive inheritance. Not counted in ClinVar's aggregate classification.
Comment: Likely benign based on allele frequency in 1000 Genomes Project or ESP global frequency and its presence in a patient with a rare or unrelated disease phenotype. NOT Sanger confirmed.

Joint Genome Diagnostic Labs from Nijmegen and Maastricht, Radboudumc and MUMC+
Classification: Benign. Review status: no assertion criteria provided. Collection method: clinical testing. Allele origin: germline. Affected: yes. Study: VKGL Data-share Consensus. Not counted in ClinVar's aggregate classification.

NM_003619.4(PRSS12):c.1816G>T (p.Ala606Ser)

Gene: PRSS12 (serine protease 12; minus strand). Cytogenetic location: 4q26.
Variant type: single nucleotide variant.
Coding change: c.1816G>T on transcript NM_003619.4 (MANE Select); coding-DNA position 1816, G replaced by T.
Protein change: p.Ala606Ser; replaces alanine 606 with serine.
Molecular consequence: missense variant.
Genome position (GRCh38, 1-based): chr4:118,298,754, C>A on the plus strand (G>T on the coding strand, the complement: PRSS12 is on the minus strand). VCF-style: chr4-118298754-C-A. GRCh37 (hg19) VCF-style: chr4-119219909-C-A.
Other names: short protein forms A606S.
Identifiers: ClinVar variation 130043 (VCV000130043.16), dbSNP rs28661939, ClinGen allele CA154791.